The following is an entry in ClinVar:

ClinVar aggregate classification (germline): Pathogenic. Review status: criteria provided, multiple submitters, no conflicts (2 of 4 stars). 2 submissions from 2 submitters: Pathogenic (2). Last evaluated 2017-01-15.

Conditions:
Hereditary cancer-predisposing syndrome. Also called: Tumor predisposition; Neoplastic Syndromes, Hereditary; Hereditary Cancer Syndrome; Hereditary neoplastic syndrome. Identifiers: Orphanet 140162, MedGen C0027672, MeSH D009386, MONDO:0015356.
Multiple endocrine neoplasia, type 1 (MEN1). Also called: MEN I; WERMER SYNDROME; Endocrine adenomatosis multiple; MEN 1; MEA I. Identifiers: Orphanet 652, MedGen C0025267, MeSH D018761, MONDO:0007540, OMIM 131100.

Submissions (2):

Ambry Genetics
Classification: Pathogenic for Hereditary cancer-predisposing syndrome. Last evaluated: 2017-01-15. Review status: criteria provided, single submitter. Criteria: Ambry Variant Classification Scheme 2023. Collection method: clinical testing. Allele origin: germline.
Comment: The p.E116* pathogenic mutation (also known as c.346G>T), located in coding exon 1 of the MEN1 gene, results from a G to T substitution at nucleotide position 346. This changes the amino acid from a glutamic acid to a stop codon within coding exon 1. This alteration has been reported in four individuals with multiple endocrine neoplasia type 1 (MEN1), all of whom were reported to have non-functioning adrenal tumors (Waldmann J et al. Langenbecks Arch Surg, 2007 Jul;392:437-43). In addition to the clinical data presented in the literature, this alteration is expected to result in loss of function by premature protein truncation or nonsense-mediated mRNA decay. As such, this alteration is interpreted as a disease-causing mutation.

Labcorp Genetics (formerly Invitae), Labcorp
Classification: Pathogenic for Multiple endocrine neoplasia, type 1. Last evaluated: 2016-11-18. Review status: criteria provided, single submitter. Criteria: Invitae Variant Classification Sherloc (09022015). Collection method: clinical testing. Allele origin: germline.
Comment: Loss-of-function variants in MEN1 are known to be pathogenic. This particular variant has been reported in the literature in individuals affected with multiple endocrine neoplasia type 1 (PMID: 17235589). For these reasons, this variant has been classified as Pathogenic. This sequence change creates a premature translational stop signal at codon 116 (p.Glu116*) of the MEN1 gene. It is expected to result in an absent or disrupted protein product.

Literature cited by the submitters: PubMed 17235589 (cited by Ambry Genetics and Labcorp Genetics (formerly Invitae), Labcorp).

NM_001370259.2(MEN1):c.346G>T (p.Glu116Ter)

Gene: MEN1 (menin 1; minus strand). Cytogenetic location: 11q13.1.
Variant type: single nucleotide variant.
Coding change: c.346G>T on transcript NM_001370259.2 (MANE Select); coding-DNA position 346, G replaced by T.
Protein change: p.Glu116Ter; replaces glutamic acid 116 with a stop codon.
Molecular consequence: nonsense.
Genome position (GRCh38, 1-based): chr11:64,809,764, C>A on the plus strand (G>T on the coding strand, the complement: MEN1 is on the minus strand). VCF-style: chr11-64809764-C-A. GRCh37 (hg19) VCF-style: chr11-64577236-C-A.
Other names: c.346G>T, p.Glu116Ter (NM_000244.4, NM_001370251.2, NM_001370260.2 and 9 more transcripts); short protein forms E116*.
Identifiers: ClinVar variation 403842 (VCV000403842.11), dbSNP rs1060499992, ClinGen allele CA16613475.